The following is an entry in ClinVar:

NM_144672.4(OTOA):c.1633_1634del (p.Leu545fs)

Gene: OTOA (otoancorin). Cytogenetic location: 16p12.2.
Variant type: Microsatellite.
Coding change: c.1633_1634del on transcript NM_144672.4 (MANE Select); coding-DNA positions 1633 to 1634, 2 bases deleted.
Protein change: p.Leu545fs; shifts the reading frame from leucine 545.
Molecular consequence: frameshift variant.
Genome position: GRCh38 VCF-style: chr16-21719133-GCT-G. GRCh37 (hg19) VCF-style: chr16-21730454-GCT-G.
Other names: c.1396_1397del, p.Leu466fs (NM_001161683.2); c.661_662del, p.Leu221fs (NM_170664.3); short protein forms L221fs, L466fs, L545fs.
Identifiers: ClinVar variation 1705476 (VCV001705476.4), dbSNP rs2507039180, ClinGen allele CA2580613436.

ClinVar aggregate classification (germline): Pathogenic/Likely pathogenic. Review status: criteria provided, multiple submitters, no conflicts (2 of 4 stars). 2 submissions from 2 submitters: Pathogenic (1); Likely pathogenic (1). Last evaluated 2023-05-27.

Conditions:
Autosomal recessive nonsyndromic hearing loss 22. Identifiers: Orphanet 90636, MedGen C1846896, MONDO:0011762, OMIM 607039.

Submissions (2):

Labcorp Genetics (formerly Invitae), Labcorp
Classification: Pathogenic. Last evaluated: 2023-05-27. Review status: criteria provided, single submitter. Criteria: Invitae Variant Classification Sherloc (09022015). Collection method: clinical testing. Allele origin: germline.
Comment: For these reasons, this variant has been classified as Pathogenic. This variant has not been reported in the literature in individuals affected with OTOA-related conditions. This variant is not present in population databases (gnomAD no frequency). This sequence change creates a premature translational stop signal (p.Leu545Valfs*4) in the OTOA gene. It is expected to result in an absent or disrupted protein product. Loss-of-function variants in OTOA are known to be pathogenic (PMID: 11972037).

3billion
Classification: Likely pathogenic for Autosomal recessive nonsyndromic hearing loss 22. Last evaluated: 2022-09-01. Review status: criteria provided, single submitter. Criteria: ACMG Guidelines, 2015. Collection method: clinical testing. Allele origin: germline. Affected: yes. Observed: 1 heterozygote.
Comment: The variant is not observed in the gnomAD v2.1.1 dataset. Frameshift variant is predicted to result in a loss or disruption of normal protein function through nonsense-mediated decay (NMD) or protein truncation. Multiple pathogenic variants are reported downstream of the variant. Therefore, this variant is classified as Likely pathogenic according to the recommendation of ACMG/AMP guideline.

Literature cited by the submitters: PubMed 11972037 (cited by Labcorp Genetics (formerly Invitae), Labcorp).